The following is an entry in ClinVar:

ClinVar aggregate classification (germline): Uncertain significance (1 of 4 stars; one submission).

Conditions:
Fanconi anemia (FA). Also called: Fanconi's anemia. Identifiers: Orphanet 84, MedGen C0015625, MeSH D005199, MONDO:0019391.

Allele frequency attached by ClinVar (database versions not stated): gnomAD exomes below 0.00001; ExAC 0.00001; gnomAD 0.00001; TOPMed 0.00001.
gnomAD v4.1: 4 of 1,613,168 alleles (0.00025%); highest among the groups gnomAD compares: Non-Finnish European, 0.00025%; no homozygotes.

Submission:

Labcorp Genetics (formerly Invitae), Labcorp
Classification: Uncertain significance for Fanconi anemia. Last evaluated: 2018-04-19. Review status: criteria provided, single submitter. Criteria: Invitae Variant Classification Sherloc (09022015). Collection method: clinical testing. Allele origin: germline.
Comment: This sequence change replaces asparagine with serine at codon 31 of the FANCI protein (p.Asn31Ser). The asparagine residue is weakly conserved and there is a small physicochemical difference between asparagine and serine. This variant is present in population databases (rs745341673, ExAC 0.001%). This variant has not been reported in the literature in individuals with FANCI-related disease. Algorithms developed to predict the effect of missense changes on protein structure and function output the following: SIFT: "Tolerated"; PolyPhen-2: "Benign"; Align-GVGD: "Class C0". The serine amino acid residue is found in multiple mammalian species, suggesting that this missense change does not adversely affect protein function. These predictions have not been confirmed by published functional studies and their clinical significance is uncertain. In summary, the available evidence is currently insufficient to determine the role of this variant in disease. Therefore, it has been classified as a Variant of Uncertain Significance.

NM_001113378.2(FANCI):c.92A>G (p.Asn31Ser)

Gene: FANCI (FA complementation group I; plus strand). Cytogenetic location: 15q26.1.
Variant type: single nucleotide variant.
Coding change: c.92A>G on transcript NM_001113378.2 (MANE Select); coding-DNA position 92, A replaced by G.
Protein change: p.Asn31Ser; replaces asparagine 31 with serine.
Molecular consequence: missense variant. On other transcripts: 5 prime UTR variant (1).
Genome position (GRCh38, 1-based): chr15:89,258,711, A>G. VCF-style: chr15-89258711-A-G. GRCh37 (hg19) VCF-style: chr15-89801942-A-G.
Other names: c.-188A>G (NM_001376910.1); c.92A>G, p.Asn31Ser (NM_001376911.1, NM_018193.3); short protein forms N31S.
Identifiers: ClinVar variation 570032 (VCV000570032.6), dbSNP rs745341673, ClinGen allele CA7722492.
Genomic context (GRCh38, chr15:89,258,711, plus strand): 5'-CATTGGGGTAAAAGACTGTTGCCAGAGACTTGTACCTTTTTCTTTCTTTGCAGTTGACTA[A>G]TCTCCTTCAGAATCAAGCAGTGAAAGGAAAAGTTGCTGGAGCACTCCTGAGAGCCATCTT-3'
Protein context (NP_001106849.1, residues 21-41): LQTLREGDLT[Asn31Ser]LLQNQAVKGK